The following is an entry in ClinVar:

ClinVar aggregate classification (germline): Pathogenic (1 of 4 stars; one submission).

Conditions:
Osteogenesis imperfecta type I (OI1). Also called: OI, TYPE I; OSTEOGENESIS IMPERFECTA TARDA; OSTEOGENESIS IMPERFECTA WITH BLUE SCLERAE; Osteogenesis imperfecta type 1; Lobstein disease; Classic Non-deforming Osteogenesis Imperfecta with Blue Sclerae. Identifiers: Orphanet 216796, Orphanet 666, MedGen C0023931, MONDO:0008146, OMIM 166200. Disease mechanism: loss of function.

Submission:

Labcorp Genetics (formerly Invitae), Labcorp
Classification: Pathogenic for Osteogenesis imperfecta type I. Last evaluated: 2019-03-13. Review status: criteria provided, single submitter. Criteria: Invitae Variant Classification Sherloc (09022015). Collection method: clinical testing. Allele origin: germline.
Comment: For these reasons, this variant has been classified as Pathogenic. Loss-of-function variants in COL1A1 are known to be pathogenic (PMID: 7942841, 9295084, 9443882). This variant has not been reported in the literature in individuals with COL1A1-related conditions. This variant is not present in population databases (ExAC no frequency). This sequence change creates a premature translational stop signal (p.Ala892Cysfs*21) in the COL1A1 gene. It is expected to result in an absent or disrupted protein product.

Literature cited by the submitters: PubMed 7942841; PubMed 9295084; PubMed 9443882.

NM_000088.4(COL1A1):c.2673dup (p.Ala892fs)

Gene: COL1A1 (collagen type I alpha 1 chain; minus strand). Cytogenetic location: 17q21.33.
Variant type: Duplication.
Coding change: c.2673dup on transcript NM_000088.4 (MANE Select); coding-DNA position 2673, one base duplicated (T; older notation c.2673dupT).
Protein change: p.Ala892fs; shifts the reading frame from alanine 892.
Molecular consequence: frameshift variant.
Genome position (GRCh38, 1-based): chr17:50,189,533, A duplicated on the plus strand (T on the coding strand, the reverse complement: COL1A1 is on the minus strand). VCF-style (leftmost placement, unchanged base first): chr17-50189532-C-CA. GRCh37 (hg19) VCF-style: chr17-48266893-C-CA.
Other names: short protein forms A892fs.
Identifiers: ClinVar variation 841831 (VCV000841831.8), dbSNP rs1906878217, ClinGen allele CA916081132.
Genomic context (GRCh38, chr17:50,189,532, plus strand): 5'-CACCACGGGGACCTTTGCCGCCTTCTTTGCCAGCAGGACCAGGAGGGCCAGGGGGTCCAG[C>CA]ATTTCCCTGGATGAGGATAGGAGGGGCTGTCAGACTCCAGGGGGCTCTGGTGCATCATTG-3'